The following is an entry in ClinVar:

ClinVar aggregate classification (germline): Uncertain significance (1 of 4 stars; one submission).

Conditions:
Myasthenic syndrome, congenital, 22 (CMS22). Also called: PREPL DEFICIENCY. Identifiers: MedGen C4479088, MONDO:0044299, OMIM 616224.

gnomAD v4.1: 14 of 1,614,064 alleles (0.00087%); highest among the groups gnomAD compares: Non-Finnish European, 0.0012%; no homozygotes.

Submission:

Labcorp Genetics (formerly Invitae), Labcorp
Classification: Uncertain significance for Myasthenic syndrome, congenital, 22. Last evaluated: 2024-07-30. Review status: criteria provided, single submitter. Criteria: Invitae Variant Classification Sherloc (09022015). Collection method: clinical testing. Allele origin: germline.
Comment: This sequence change replaces glycine, which is neutral and non-polar, with arginine, which is basic and polar, at codon 516 of the PREPL protein (p.Gly516Arg). This variant is not present in population databases (gnomAD no frequency). This variant has not been reported in the literature in individuals affected with PREPL-related conditions. Advanced modeling of protein sequence and biophysical properties (such as structural, functional, and spatial information, amino acid conservation, physicochemical variation, residue mobility, and thermodynamic stability) performed at Invitae indicates that this missense variant is expected to disrupt PREPL protein function with a positive predictive value of 80%. In summary, the available evidence is currently insufficient to determine the role of this variant in disease. Therefore, it has been classified as a Variant of Uncertain Significance.

NM_001171613.2(PREPL):c.1279G>C (p.Gly427Arg)

Gene: PREPL (prolyl endopeptidase like; minus strand). Cytogenetic location: 2p21.
Variant type: single nucleotide variant.
Coding change: c.1279G>C on transcript NM_001171613.2 (MANE Select); coding-DNA position 1279, G replaced by C.
Protein change: p.Gly427Arg; replaces glycine 427 with arginine.
Molecular consequence: missense variant.
Genome position (GRCh38, 1-based): chr2:44,326,912, C>G on the plus strand (G>C on the coding strand, the complement: PREPL is on the minus strand). VCF-style: chr2-44326912-C-G. GRCh37 (hg19) VCF-style: chr2-44554051-C-G.
Other names: c.1360G>C, p.Gly454Arg (NM_001042385.2); c.1348G>C, p.Gly450Arg (NM_001042386.2); c.1546G>C, p.Gly516Arg (NM_001171603.1, NM_001171606.2, NM_001374275.1 and 2 more transcripts); c.1279G>C, p.Gly427Arg (NM_001171617.1, NM_001374277.1); short protein forms G454R, G516R, G427R, G450R.
Identifiers: ClinVar variation 3660963 (VCV003660963.2).